The following is an entry in ClinVar:

NM_003742.4(ABCB11):c.2011+1G>C

Gene: ABCB11 (ATP binding cassette subfamily B member 11; minus strand). Cytogenetic location: 2q31.1.
Variant type: single nucleotide variant.
Coding change: c.2011+1G>C on transcript NM_003742.4 (MANE Select); the canonical splice donor site of the intron after coding-DNA position 2011, G replaced by C.
Molecular consequence: splice donor variant.
Genome position (GRCh38, 1-based): chr2:168,969,349, C>G on the plus strand (G>C on the coding strand, the complement: ABCB11 is on the minus strand). VCF-style: chr2-168969349-C-G. GRCh37 (hg19) VCF-style: chr2-169825859-C-G.
Identifiers: ClinVar variation 2166593 (VCV002166593.3), dbSNP rs376632574, ClinGen allele CA349111627.

ClinVar aggregate classification (germline): Conflicting classifications of pathogenicity. Review status: criteria provided, conflicting classifications (1 of 4 stars). 3 submissions from 3 submitters: Likely pathogenic (2); Uncertain significance (1). Last evaluated 2025-01-24.

Conditions:
Progressive familial intrahepatic cholestasis type 2. Identifiers: Orphanet 79304, MedGen C3489789, MONDO:0011156, OMIM 601847.
Benign recurrent intrahepatic cholestasis type 2 (BRIC2). Also called: Recurrent familial intrahepatic cholestasis 2. Identifiers: Orphanet 65682, Orphanet 99961, MedGen C2608083, MONDO:0011559, OMIM 605479.

Allele frequency attached by ClinVar (database versions not stated): TOPMed 0.00001.
gnomAD v4.1: 1 of 1,610,502 alleles (0.000062%); highest among the groups gnomAD compares: Non-Finnish European, 0.000085%; no homozygotes.

Submissions (3):

Broad Center for Mendelian Genomics, Broad Institute of MIT and Harvard
Classification: Uncertain significance for Progressive familial intrahepatic cholestasis type 2. Last evaluated: 2025-01-24. Review status: criteria provided, single submitter. Criteria: ACMG Guidelines, 2015. Collection method: curation. Allele origin: germline. Inheritance: Autosomal recessive inheritance.
Comment: The c.2011+1G>C variant in ABCB11 has not been previously reported in the literature in individuals with BSEP deficiency, but has been identified in 0.00008% (1/1178114) of European (non-Finnish) chromosomes by the Genome Aggregation Database (gnomAD; dbSNP rs376632574). Although this variant has been seen in the general population in a heterozygous state, its frequency is low enough to be consistent with a recessive carrier frequency. This variant has also been reported in ClinVar (Variation ID: 2166593) and has been interpreted as likely pathogenic by Invitae. This variant is located in the 3' splice region. Computational tools predict a splicing impact, though this information is not predictive enough to determine pathogenicity. Loss of function of the ABCB11 gene is an established disease mechanism in autosomal recessive BSEP deficiency. In summary, the clinical significance of the c.2011+1G>C variant is uncertain. ACMG/AMP Criteria: PVS1_moderate, PM2_supporting (Richards 2015).

Fulgent Genetics
Classification: Likely pathogenic for Progressive familial intrahepatic cholestasis type 2; Benign recurrent intrahepatic cholestasis type 2. Last evaluated: 2024-05-07. Review status: criteria provided, single submitter. Criteria: ACMG Guidelines, 2015. Collection method: clinical testing. Allele origin: germline.

Labcorp Genetics (formerly Invitae), Labcorp
Classification: Likely pathogenic. Last evaluated: 2022-04-16. Review status: criteria provided, single submitter. Criteria: Invitae Variant Classification Sherloc (09022015). Collection method: clinical testing. Allele origin: germline.
Comment: This sequence change affects a donor splice site in intron 16 of the ABCB11 gene. It is expected to disrupt RNA splicing. Variants that disrupt the donor or acceptor splice site typically lead to a loss of protein function (PMID: 16199547), and loss-of-function variants in ABCB11 are known to be pathogenic (PMID: 18395098, 20232290). This variant is not present in population databases (gnomAD no frequency). This variant has not been reported in the literature in individuals affected with ABCB11-related conditions. Algorithms developed to predict the effect of sequence changes on RNA splicing suggest that this variant may disrupt the consensus splice site. In summary, the currently available evidence indicates that the variant is pathogenic, but additional data are needed to prove that conclusively. Therefore, this variant has been classified as Likely Pathogenic.

Literature cited by the submitters: PubMed 16199547 (cited by Labcorp Genetics (formerly Invitae), Labcorp); PubMed 18395098 (cited by Labcorp Genetics (formerly Invitae), Labcorp); PubMed 20232290 (cited by Labcorp Genetics (formerly Invitae), Labcorp).